The following is an entry in ClinVar:

NM_000384.3(APOB):c.13520C>T (p.Ser4507Phe)

Gene: APOB (apolipoprotein B; minus strand). Cytogenetic location: 2p24.1.
Variant type: single nucleotide variant.
Coding change: c.13520C>T on transcript NM_000384.3 (MANE Select); coding-DNA position 13520, C replaced by T.
Protein change: p.Ser4507Phe; replaces serine 4507 with phenylalanine.
Molecular consequence: missense variant.
Genome position (GRCh38, 1-based): chr2:21,001,902, G>A on the plus strand (C>T on the coding strand, the complement: APOB is on the minus strand). VCF-style: chr2-21001902-G-A. GRCh37 (hg19) VCF-style: chr2-21224774-G-A.
Other names: short protein forms S4507F.
Identifiers: ClinVar variation 4124799 (VCV004124799.1).

ClinVar aggregate classification (germline): Uncertain significance (1 of 4 stars; one submission).

Conditions:
Cardiovascular phenotype. Identifiers: MedGen CN230736.

Submission:

Ambry Genetics
Classification: Uncertain significance for Cardiovascular phenotype. Last evaluated: 2025-06-16. Review status: criteria provided, single submitter. Criteria: Ambry Variant Classification Scheme 2023. Collection method: clinical testing. Allele origin: germline.
Comment: The p.S4507F variant (also known as c.13520C>T), located in coding exon 29 of the APOB gene, results from a C to T substitution at nucleotide position 13520. The serine at codon 4507 is replaced by phenylalanine, an amino acid with highly dissimilar properties. This amino acid position is conserved. In addition, this alteration is predicted to be tolerated by in silico analysis. Based on the available evidence, the clinical significance of this variant remains unclear.